The following is an entry in ClinVar:

ClinVar aggregate classification (germline): Likely benign. Review status: criteria provided, multiple submitters, no conflicts (2 of 4 stars). 2 submissions from 2 submitters: Likely benign (2). Last evaluated 2018-06-16.

Allele frequency attached by ClinVar (database versions not stated): 1000 Genomes Project 30x 0.01421; 1000 Genomes Project 0.01478; gnomAD exomes 0.01602; TOPMed 0.01748; gnomAD 0.01950 and 0.02019.
gnomAD v4.1: 19,787 of 1,197,128 alleles (1.7%); highest among the groups gnomAD compares: Middle Eastern, 5.6%; 231 homozygotes.

Submissions (2):

GeneDx
Classification: Likely benign. Last evaluated: 2018-06-16. Review status: criteria provided, single submitter. Criteria: GeneDx Variant Classification (06012015). Collection method: clinical testing. Allele origin: germline. Affected: yes.
Comment: This variant is considered likely benign or benign based on one or more of the following criteria: it is a conservative change, it occurs at a poorly conserved position in the protein, it is predicted to be benign by multiple in silico algorithms, and/or has population frequency not consistent with disease.

Breakthrough Genomics
Classification: Likely benign. Review status: criteria provided, single submitter. Criteria: ACMG Guidelines, 2015. Collection method: not provided. Allele origin: germline. Inheritance: Autosomal dominant inheritance. Affected: yes.

NM_006514.4(SCN10A):c.4281+100C>G

Gene: SCN10A (sodium voltage-gated channel alpha subunit 10; minus strand). Cytogenetic location: 3p22.2.
Variant type: single nucleotide variant.
Coding change: c.4281+100C>G on transcript NM_006514.4 (MANE Select); 100 bases into the intron after coding-DNA position 4281, C replaced by G.
Molecular consequence: intron variant.
Genome position (GRCh38, 1-based): chr3:38,709,378, G>C on the plus strand (C>G on the coding strand, the complement: SCN10A is on the minus strand). VCF-style: chr3-38709378-G-C. GRCh37 (hg19) VCF-style: chr3-38750869-G-C.
Other names: c.3987+100C>G (NM_001293307.2); c.4278+100C>G (NM_001293306.2).
Identifiers: ClinVar variation 676403 (VCV000676403.2), dbSNP rs141575712, ClinGen allele CA72949209.